The following is an entry in ClinVar:

NM_001267550.2(TTN):c.104039G>A (p.Arg34680Lys)

Genes: TTN-AS1 (TTN antisense RNA 1; plus strand), TTN (titin; minus strand). Cytogenetic location: 2q31.2.
Variant type: single nucleotide variant.
Coding change: c.104039G>A on transcript NM_001267550.2 (MANE Select); coding-DNA position 104039, G replaced by A.
Protein change: p.Arg34680Lys; replaces arginine 34680 with lysine.
Molecular consequence: missense variant.
Genome position (GRCh38, 1-based): chr2:178,532,576, C>T on the plus strand (G>A on the coding strand, the complement: TTN is on the minus strand). VCF-style: chr2-178532576-C-T. GRCh37 (hg19) VCF-style: chr2-179397303-C-T.
Other names: c.99116G>A, p.Arg33039Lys (NM_001256850.1); c.76844G>A, p.Arg25615Lys (NM_003319.4); c.96335G>A, p.Arg32112Lys (NM_133378.4); c.77219G>A, p.Arg25740Lys (NM_133432.3); c.77420G>A, p.Arg25807Lys (NM_133437.4); short protein forms R25615K, R25740K, R33039K, R25807K, R34680K, R32112K.
Identifiers: ClinVar variation 1415913 (VCV001415913.6), dbSNP rs753652745, ClinGen allele CA1985496.

ClinVar aggregate classification (germline): Uncertain significance (1 of 4 stars; one submission).

Conditions:
Dilated cardiomyopathy 1G (CMD1G). Identifiers: Orphanet 154, MedGen C1858763, MONDO:0011400, OMIM 604145.
Autosomal recessive limb-girdle muscular dystrophy type 2J (LGMDR10). Also called: MUSCULAR DYSTROPHY, LIMB-GIRDLE, AUTOSOMAL RECESSIVE 10; Limb-girdle muscular dystrophy, type 2J. Identifiers: Orphanet 140922, MedGen C1837342, MONDO:0012127, OMIM 608807.

Allele frequency attached by ClinVar (database versions not stated): gnomAD exomes below 0.00001; ExAC 0.00001.
gnomAD v4.1: 1 of 1,613,938 alleles (0.000062%); highest among the groups gnomAD compares: Non-Finnish European, 0.000085%; no homozygotes.

Submission:

Labcorp Genetics (formerly Invitae), Labcorp
Classification: Uncertain significance for Dilated cardiomyopathy 1G; Autosomal recessive limb-girdle muscular dystrophy type 2J. Last evaluated: 2021-07-21. Review status: criteria provided, single submitter. Criteria: Invitae Variant Classification Sherloc (09022015). Collection method: clinical testing. Allele origin: germline.
Comment: This variant has not been reported in the literature in individuals with TTN-related conditions. This variant is present in population databases (rs753652745, ExAC 0.001%). This sequence change replaces arginine with lysine at codon 34680 of the TTN protein (p.Arg34680Lys). There is a small physicochemical difference between arginine and lysine. This variant is located in the M band of TTN (PMID: 25589632). Variants in this region may be relevant for neuromuscular disorders, but have not been definitively shown to cause cardiomyopathy (PMID: 23975875). In summary, the available evidence is currently insufficient to determine the role of this variant in disease. Therefore, it has been classified as a Variant of Uncertain Significance. Experimental studies and prediction algorithms are not available or were not evaluated, and the functional significance of this variant is currently unknown.

Literature cited by the submitters: PubMed 25589632; PubMed 23975875.